The following is an entry in ClinVar:

ClinVar aggregate classification (germline): Uncertain significance (1 of 4 stars; one submission).

Conditions:
Familial adenomatous polyposis 1 (FAP1). Also called: FAMILIAL ADENOMATOUS POLYPOSIS 1, ATTENUATED; POLYPOSIS, ADENOMATOUS INTESTINAL. Identifiers: MedGen C2713442, MONDO:0021056, OMIM 175100. Disease mechanism: loss of function.

Submission:

Labcorp Genetics (formerly Invitae), Labcorp
Classification: Uncertain significance for Familial adenomatous polyposis 1. Last evaluated: 2023-01-17. Review status: criteria provided, single submitter. Criteria: Invitae Variant Classification Sherloc (09022015). Collection method: clinical testing. Allele origin: germline.
Comment: In summary, the available evidence is currently insufficient to determine the role of this variant in disease. Therefore, it has been classified as a Variant of Uncertain Significance. Experimental studies and prediction algorithms are not available or were not evaluated, and the functional significance of this variant is currently unknown. This variant has not been reported in the literature in individuals affected with APC-related conditions. This variant is not present in population databases (gnomAD no frequency). This variant occurs in a non-coding region of the APC gene. It does not change the encoded amino acid sequence of the APC protein.

NM_001127511.3(APC):c.1A>C (p.Met1Leu)

Gene: APC (APC regulator of Wnt signaling pathway; plus strand). Cytogenetic location: 5q22.2.
Variant type: single nucleotide variant.
Coding change: c.1A>C on transcript NM_001127511.3; coding-DNA position 1, A replaced by C.
Protein change: p.Met1Leu; changes the start codon (methionine 1).
Molecular consequence: missense variant, initiator codon variant. On other transcripts: intron variant (5), 5 prime UTR variant (8), non-coding transcript variant (1).
Genome position (GRCh38, 1-based): chr5:112,707,718, A>C. VCF-style: chr5-112707718-A-C. GRCh37 (hg19) VCF-style: chr5-112043415-A-C.
Other names: c.-19+69A>C (NM_001407457.1, NM_001407458.1, NM_001407448.1 and 1 more transcripts); c.-43+69A>C (NM_001407453.1); c.1A>C, p.Met1Leu (NM_001407446.1, NM_001354897.2, NM_001354902.2); c.-183A>C (NM_001407447.1, NM_001407452.1, NM_001407456.1 and 3 more transcripts); c.-1218A>C (NM_001407470.1, NM_001407472.1); short protein forms M1L.
Identifiers: ClinVar variation 2728804 (VCV002728804.3), dbSNP rs189807660, ClinGen allele CA360611530.
Genomic context (GRCh38, chr5:112,707,718, plus strand): 5'-GTTGGCTGTTGGTGAGGAAGGTGAAGCACTCAGTTGCCTTCTCGGGCCTCGGCGCCCCCT[A>C]TGTACGCCTCCCTGGGCTCGGGTCCGGTCGCCCCTTTGCCCGCTTCTGTACCACCCTCAG-3'